The following is an entry in ClinVar:

ClinVar aggregate classification (germline): Uncertain significance (1 of 4 stars; one submission).

Conditions:
STAT3 gain of function. Identifiers: MedGen C4288261.
Hyper-IgE recurrent infection syndrome 1, autosomal dominant. Also called: JOB SYNDROME; Job's Syndrome; STAT3 Hyper IgE Syndrome; Hyper-IgE recurrent infection syndrome 1; HYPER-IgE SYNDROME 1, AUTOSOMAL DOMINANT, WITH RECURRENT INFECTIONS. Identifiers: Orphanet 2314, MedGen C2936739, MONDO:0007818, OMIM 147060.

Submission:

Labcorp Genetics (formerly Invitae), Labcorp
Classification: Uncertain significance for STAT3 gain of function; Hyper-IgE recurrent infection syndrome 1, autosomal dominant. Last evaluated: 2025-10-14. Review status: criteria provided, single submitter. Criteria: Invitae Variant Classification Sherloc (09022015). Collection method: clinical testing. Allele origin: germline.
Comment: This sequence change creates a premature translational stop signal (p.Cys718*) in the STAT3 gene. It is expected to result in an absent or disrupted protein product. However, the current clinical and genetic evidence is not sufficient to establish whether loss-of-function variants in STAT3 cause disease. This variant is not present in population databases (gnomAD no frequency). This variant has not been reported in the literature in individuals affected with STAT3-related conditions. In summary, the available evidence is currently insufficient to determine the role of this variant in disease. Therefore, it has been classified as a Variant of Uncertain Significance.

NM_139276.3(STAT3):c.2154C>A (p.Cys718Ter)

Gene: STAT3 (signal transducer and activator of transcription 3; minus strand). Cytogenetic location: 17q21.2.
Variant type: single nucleotide variant.
Coding change: c.2154C>A on transcript NM_139276.3 (MANE Select); coding-DNA position 2154, C replaced by A.
Protein change: p.Cys718Ter; replaces cysteine 718 with a stop codon.
Molecular consequence: nonsense. On other transcripts: intron variant (9).
Genome position (GRCh38, 1-based): chr17:42,316,892, G>T on the plus strand (C>A on the coding strand, the complement: STAT3 is on the minus strand). VCF-style: chr17-42316892-G-T. GRCh37 (hg19) VCF-style: chr17-40468910-G-T.
Other names: c.2154C>A, p.Cys718Ter (NM_001369512.1, NM_001369513.1); c.2151C>A, p.Cys717Ter (NM_001369514.1, NM_001369516.1, NM_003150.4); c.2070C>A, p.Cys690Ter (NM_001384984.1); c.2076C>A, p.Cys692Ter (NM_001384985.1); c.2133C>A, p.Cys711Ter (NM_001384987.1); c.2055C>A, p.Cys685Ter (NM_001384989.1); c.2127C>A, p.Cys709Ter (NM_001384991.1); c.2094C>A, p.Cys698Ter (NM_001384992.1); and 6 more; short protein forms C711*, C690*, C692*, C698*, C718*, C685*, C717*, C709*.
Identifiers: ClinVar variation 4786434 (VCV004786434.1).